The following is an entry in ClinVar:

ClinVar aggregate classification (germline): Uncertain significance. Review status: criteria provided, multiple submitters, no conflicts (2 of 4 stars). 2 submissions from 2 submitters: Uncertain significance (2). Last evaluated 2025-01-23.

Conditions:
Ataxia-telangiectasia syndrome (AT). Also called: LOUIS-BAR SYNDROME; Cerebello-oculocutaneous telangiectasia; Immunodeficiency with ataxia telangiectasia; Ataxia telangiectasia (A-T); Ataxia-telangiectasia, complementation group D; AT, COMPLEMENTATION GROUP C. Identifiers: Orphanet 100, MedGen C0004135, MONDO:0008840, OMIM 208900.
Hereditary cancer-predisposing syndrome. Also called: Tumor predisposition; Neoplastic Syndromes, Hereditary; Hereditary Cancer Syndrome; Hereditary neoplastic syndrome. Identifiers: Orphanet 140162, MedGen C0027672, MeSH D009386, MONDO:0015356.

Submissions (2):

Ambry Genetics
Classification: Uncertain significance for Hereditary cancer-predisposing syndrome. Last evaluated: 2025-01-23. Review status: criteria provided, single submitter. Criteria: Ambry Variant Classification Scheme 2023. Collection method: clinical testing. Allele origin: germline.
Comment: The p.G2706V variant (also known as c.8117G>T), located in coding exon 54 of the ATM gene, results from a G to T substitution at nucleotide position 8117. The glycine at codon 2706 is replaced by valine, an amino acid with dissimilar properties. This amino acid position is conserved. In addition, this alteration is predicted to be deleterious by in silico analysis. Based on the available evidence, the clinical significance of this variant remains unclear.

Labcorp Genetics (formerly Invitae), Labcorp
Classification: Uncertain significance for Ataxia-telangiectasia syndrome. Last evaluated: 2023-01-20. Review status: criteria provided, single submitter. Criteria: Invitae Variant Classification Sherloc (09022015). Collection method: clinical testing. Allele origin: germline.
Comment: This variant has not been reported in the literature in individuals affected with ATM-related conditions. In summary, the available evidence is currently insufficient to determine the role of this variant in disease. Therefore, it has been classified as a Variant of Uncertain Significance. Algorithms developed to predict the effect of missense changes on protein structure and function (SIFT, PolyPhen-2, Align-GVGD) all suggest that this variant is likely to be disruptive. This variant is not present in population databases (gnomAD no frequency). This sequence change replaces glycine, which is neutral and non-polar, with valine, which is neutral and non-polar, at codon 2706 of the ATM protein (p.Gly2706Val).

NM_000051.4(ATM):c.8117G>T (p.Gly2706Val)

Genes: ATM (ATM serine/threonine kinase; plus strand), C11orf65 (chromosome 11 open reading frame 65; minus strand). Cytogenetic location: 11q22.3.
Variant type: single nucleotide variant.
Coding change: c.8117G>T on transcript NM_000051.4 (MANE Select); coding-DNA position 8117, G replaced by T.
Protein change: p.Gly2706Val; replaces glycine 2706 with valine.
Molecular consequence: missense variant. On other transcripts: intron variant (2).
Genome position (GRCh38, 1-based): chr11:108,335,075, G>T. VCF-style: chr11-108335075-G-T. GRCh37 (hg19) VCF-style: chr11-108205802-G-T.
Other names: c.8117G>T, p.Gly2706Val (NM_001351834.2); c.641-26004C>A (NM_001330368.2); c.*38+145C>A (NM_001351110.2); short protein forms G2706V.
Identifiers: ClinVar variation 2830405 (VCV002830405.4), dbSNP rs2136662456, ClinGen allele CA382562155.